The following is an entry in ClinVar:

NM_139315.3(TAF6):c.525C>T (p.Asp175=)

Gene: TAF6 (TATA-box binding protein associated factor 6; minus strand). Cytogenetic location: 7q22.1.
Variant type: single nucleotide variant.
Coding change: c.525C>T on transcript NM_139315.3 (MANE Select); coding-DNA position 525, C replaced by T.
Protein change: p.Asp175=; no amino-acid change (aspartic acid 175 retained).
Molecular consequence: synonymous variant. On other transcripts: non-coding transcript variant (1).
Genome position (GRCh38, 1-based): chr7:100,112,847, G>A on the plus strand (C>T on the coding strand, the complement: TAF6 is on the minus strand). VCF-style: chr7-100112847-G-A. GRCh37 (hg19) VCF-style: chr7-99710470-G-A.
Other names: c.636C>T, p.Asp212= (NM_001190415.2); c.525C>T, p.Asp175= (NM_001364998.1, NM_001364999.1, NM_005641.4); c.495C>T, p.Asp165= (NM_001365000.1, NM_001365001.1, NM_001365002.1 and 1 more transcripts); c.663C>T, p.Asp221= (NM_001365004.1).
Identifiers: ClinVar variation 1973651 (VCV001973651.29), dbSNP rs147325647, ClinGen allele CA4375602.

ClinVar aggregate classification (germline): Benign/Likely benign. Review status: criteria provided, multiple submitters, no conflicts (2 of 4 stars). 2 submissions from 2 submitters: Benign (1); Likely benign (1). Last evaluated 2023-01-01.

Allele frequency attached by ClinVar (database versions not stated): TOPMed 0.00007; ESP Exome Variant Server 0.00008; gnomAD exomes 0.00033; gnomAD 0.00068; ExAC 0.00074.
gnomAD v4.1: 580 of 1,613,772 alleles (0.036%); highest among the groups gnomAD compares: Non-Finnish European, 0.012%; 2 homozygotes.

Submissions (2):

CeGaT Center for Human Genetics Tuebingen
Classification: Likely benign. Last evaluated: 2023-01-01. Review status: criteria provided, single submitter. Criteria: CeGaT Center For Human Genetics Tuebingen Variant Classification Criteria Version 2. Collection method: clinical testing. Allele origin: germline. Affected: yes. Observed: 1 variant allele.
Comment: TAF6: BP4, BP7

Labcorp Genetics (formerly Invitae), Labcorp
Classification: Benign. Last evaluated: 2022-08-19. Review status: criteria provided, single submitter. Criteria: Invitae Variant Classification Sherloc (09022015). Collection method: clinical testing. Allele origin: germline.